The following is an entry in ClinVar:

NM_002838.5(PTPRC):c.1884G>A (p.Met628Ile)

Gene: PTPRC (protein tyrosine phosphatase receptor type C; plus strand). Cytogenetic location: 1q32.1.
Variant type: single nucleotide variant.
Coding change: c.1884G>A on transcript NM_002838.5 (MANE Select); coding-DNA position 1884, G replaced by A.
Protein change: p.Met628Ile; replaces methionine 628 with isoleucine.
Molecular consequence: missense variant.
Genome position (GRCh38, 1-based): chr1:198,731,636, G>A. VCF-style: chr1-198731636-G-A. GRCh37 (hg19) VCF-style: chr1-198700765-G-A.
Other names: c.1401G>A, p.Met467Ile (NM_080921.4); short protein forms M467I, M628I.
Identifiers: ClinVar variation 3721268 (VCV003721268.2).
Genomic context (GRCh38, chr1:198,731,636, plus strand): 5'-AGACACATGTAACTAGTATTGAATCTTTAATATGTTTCCAGATGATGAAAAACAACTGAT[G>A]AATGTGGAGCCAATCCATGCAGATATTTTGTTGGAAACTTATAAGAGGAAGATTGCTGAT-3'
Protein context (NP_002829.3, residues 618-638): LVERDDEKQL[Met628Ile]NVEPIHADIL

ClinVar aggregate classification (germline): Uncertain significance (1 of 4 stars; one submission).

Conditions:
Immunodeficiency 104. Also called: IMMUNODEFICIENCY 104, SEVERE COMBINED; Severe combined immunodeficiency, autosomal recessive, T cell-negative, B cell-positive, NK cell-positive; Severe Combined Immune Deficiency, Autosomal Recessive, TCell -Negative, B Cell-Positive, NK Cell-Positive, IL7R-Related; SCID, AUTOSOMAL RECESSIVE, T CELL-NEGATIVE, B CELL-POSITIVE, NK CELL-POSITIVE. Identifiers: MedGen C5676890, MONDO:0012163, OMIM 608971.

gnomAD v4.1: 1 of 1,609,382 alleles (0.000062%); highest among the groups gnomAD compares: Non-Finnish European, 0.000085%; no homozygotes.

Submission:

Labcorp Genetics (formerly Invitae), Labcorp
Classification: Uncertain significance for Immunodeficiency 104. Last evaluated: 2024-09-21. Review status: criteria provided, single submitter. Criteria: Invitae Variant Classification Sherloc (09022015). Collection method: clinical testing. Allele origin: germline.
Comment: This sequence change replaces methionine, which is neutral and non-polar, with isoleucine, which is neutral and non-polar, at codon 628 of the PTPRC protein (p.Met628Ile). This variant is not present in population databases (gnomAD no frequency). This variant has not been reported in the literature in individuals affected with PTPRC-related conditions. An algorithm developed to predict the effect of missense changes on protein structure and function (PolyPhen-2) suggests that this variant is likely to be tolerated. In summary, the available evidence is currently insufficient to determine the role of this variant in disease. Therefore, it has been classified as a Variant of Uncertain Significance.